The following continues an entry in ClinVar:

NM_001243279.3(ACSF3):c.1075G>A (p.Glu359Lys)

ClinVar aggregate classification (germline): Conflicting classifications of pathogenicity. Pathogenic (13); Likely pathogenic (3); Uncertain significance (1).

Submissions 9 to 18 of 18:

Ambry Genetics
Classification: Pathogenic for Inborn genetic diseases. Last evaluated: 2025-04-25. Review status: criteria provided, single submitter. Criteria: Ambry Variant Classification Scheme 2023. Collection method: clinical testing. Allele origin: germline.
Comment: The c.1075G>A (p.E359K) alteration is located in exon 6 (coding exon 4) of the ACSF3 gene. This alteration results from a G to A substitution at nucleotide position 1075, causing the glutamic acid (E) at amino acid position 359 to be replaced by a lysine (K). Based on data from gnomAD, the A allele has an overall frequency of 0.067% (188/282126) total alleles studied. This variant has been identified in the homozygous state and/or in conjunction with other ACSF3 variant(s) in individual(s) with features consistent with combined malonic and methylmalonic aciduria; in at least one instance, the variants were identified in trans (Molina-Ram&iacute;rez, 2022; Barbosa-Gouveia, 2021; Levtova, 2019; de Sain-van der Velden, 2016; Alfares, 2011; Sloan, 2011). This amino acid position is highly conserved in available vertebrate species. In an assay testing ACSF3 function, this variant showed a functionally abnormal result (Koo, 2000). This alteration is predicted to be deleterious by in silico analysis. Based on the available evidence, this alteration is classified as pathogenic.

GeneDx
Classification: Pathogenic. Last evaluated: 2024-12-09. Review status: criteria provided, single submitter. Criteria: GeneDx Variant Classification Process June 2021. Collection method: clinical testing. Allele origin: germline. Affected: yes.
Comment: In silico analysis supports that this missense variant has a deleterious effect on protein structure/function; This variant is associated with the following publications: (PMID: 36717752, 21785126, 29858964, 21841779, 26915364, 34426522, 32944792, 31980526, 34440436, 33879512)

Blueprint Genetics
Classification: Pathogenic for ACSF3-related disorders. Last evaluated: 2024-11-27. Review status: criteria provided, single submitter. Criteria: ACMG Guidelines, 2015. Collection method: clinical testing. Allele origin: germline. Affected: yes. Observed: 5 variant alleles.

Revvity Omics, Revvity
Classification: Likely pathogenic for Combined malonic and methylmalonic acidemia. Last evaluated: 2024-11-22. Review status: criteria provided, single submitter. Criteria: ACMG Guidelines, 2015. Collection method: clinical testing. Allele origin: germline.

Fulgent Genetics
Classification: Pathogenic for Combined malonic and methylmalonic acidemia. Last evaluated: 2024-04-30. Review status: criteria provided, single submitter. Criteria: ACMG Guidelines, 2015. Collection method: clinical testing. Allele origin: germline.

Baylor Genetics
Classification: Likely pathogenic for Combined malonic and methylmalonic acidemia. Last evaluated: 2024-03-30. Review status: criteria provided, single submitter. Criteria: ACMG Guidelines, 2015. Collection method: clinical testing. Allele origin: unknown.

Mayo Clinic Laboratories, Mayo Clinic
Classification: Likely pathogenic. Last evaluated: 2023-02-07. Review status: criteria provided, single submitter. Criteria: ACMG Guidelines, 2015. Collection method: clinical testing. Allele origin: germline. Observed: 1 variant allele.
Comment: PP1, PP3, PM3_strong

Genetics and Molecular Pathology, SA Pathology
Classification: Pathogenic for Combined malonic and methylmalonic acidemia. Last evaluated: 2022-05-23. Review status: criteria provided, single submitter. Criteria: ACMG Guidelines, 2015. Collection method: clinical testing. Allele origin: germline. Inheritance: Autosomal recessive inheritance. Affected: yes.

Eurofins Ntd Llc (ga)
Classification: Uncertain significance. Last evaluated: 2015-06-10. Review status: criteria provided, single submitter. Criteria: EGL Classification Definitions 2015. Collection method: clinical testing. Allele origin: germline. Observed: 3 variant alleles, 3 heterozygotes.

OMIM
Classification: Pathogenic for COMBINED MALONIC AND METHYLMALONIC ACIDURIA. Last evaluated: 2011-08-14. Review status: no assertion criteria provided. Collection method: literature only. Allele origin: germline. Not counted in ClinVar's aggregate classification.

Literature cited by the submitters: PubMed 21785126 (cited by 7 submitters); PubMed 21841779 (cited by 8 submitters); PubMed 26915364 (cited by 5 submitters); PubMed 30740739 (cited by 5 submitters); PubMed 34440436 (cited by 3 submitters); PubMed 30041674 (cited by 3 submitters); PubMed 31376476 (cited by 3 submitters); PubMed 33879512 (cited by Ambry Genetics and Mayo Clinic Laboratories, Mayo Clinic); PubMed 22421630 (cited by Mayo Clinic Laboratories, Mayo Clinic); PubMed 31980526 (cited by Mayo Clinic Laboratories, Mayo Clinic); PubMed 32944792 (cited by Mayo Clinic Laboratories, Mayo Clinic); PubMed 34426522 (cited by Mayo Clinic Laboratories, Mayo Clinic); PubMed 34900860 (cited by Mayo Clinic Laboratories, Mayo Clinic).